The following is an entry in ClinVar:

NM_001346754.2(PIGW):c.1141A>C (p.Ser381Arg)

Genes: MYO19 (myosin XIX; minus strand), PIGW (phosphatidylinositol glycan anchor biosynthesis class W; plus strand). Cytogenetic location: 17q12.
Variant type: single nucleotide variant.
Coding change: c.1141A>C on transcript NM_001346754.2 (MANE Select); coding-DNA position 1141, A replaced by C.
Protein change: p.Ser381Arg; replaces serine 381 with arginine.
Molecular consequence: missense variant.
Genome position (GRCh38, 1-based): chr17:36,538,242, A>C. VCF-style: chr17-36538242-A-C. GRCh37 (hg19) VCF-style: chr17-34894091-A-C.
Other names: c.1141A>C, p.Ser381Arg (NM_001346755.2, NM_178517.5); short protein forms S381R.
Identifiers: ClinVar variation 1438102 (VCV001438102.8), dbSNP rs2142620901, ClinGen allele CA399164333.

ClinVar aggregate classification (germline): Uncertain significance (1 of 4 stars; one submission).

Conditions:
Hyperphosphatasia with intellectual disability syndrome 5 (GPIBD11). Also called: GLYCOSYLPHOSPHATIDYLINOSITOL BIOSYNTHESIS DEFECT 11. Identifiers: Orphanet 247262, MedGen C4014958, MONDO:0014457, OMIM 616025.

Submission:

Labcorp Genetics (formerly Invitae), Labcorp
Classification: Uncertain significance for Hyperphosphatasia with intellectual disability syndrome 5. Last evaluated: 2022-04-21. Review status: criteria provided, single submitter. Criteria: Invitae Variant Classification Sherloc (09022015). Collection method: clinical testing. Allele origin: germline.
Comment: This sequence change replaces serine, which is neutral and polar, with arginine, which is basic and polar, at codon 381 of the PIGW protein (p.Ser381Arg). This variant is not present in population databases (gnomAD no frequency). This variant has not been reported in the literature in individuals affected with PIGW-related conditions. Algorithms developed to predict the effect of missense changes on protein structure and function are either unavailable or do not agree on the potential impact of this missense change (SIFT: "Tolerated"; PolyPhen-2: "Possibly Damaging"; Align-GVGD: "Class C0"). In summary, the available evidence is currently insufficient to determine the role of this variant in disease. Therefore, it has been classified as a Variant of Uncertain Significance.